The following is an entry in ClinVar:

ClinVar aggregate classification (germline): Uncertain significance. Review status: criteria provided, multiple submitters, no conflicts (2 of 4 stars). 3 submissions from 3 submitters: Uncertain significance (3). Last evaluated 2026-04-01.

Conditions:
Cardiovascular phenotype. Identifiers: MedGen CN230736.

Allele frequency attached by ClinVar (database versions not stated): ExAC 0.00001; gnomAD exomes 0.00001; gnomAD 0.00002; TOPMed 0.00002.
gnomAD v4.1: 11 of 1,613,094 alleles (0.00068%); highest among the groups gnomAD compares: Non-Finnish European, 0.00085%; no homozygotes.

Submissions (3):

CeGaT Center for Human Genetics Tuebingen
Classification: Uncertain significance. Last evaluated: 2026-04-01. Review status: criteria provided, single submitter. Criteria: CeGaT Center For Human Genetics Tuebingen Variant Classification Criteria Version 2. Collection method: clinical testing. Allele origin: germline. Affected: yes. Observed: 1 variant allele.
Comment: TNXB: PM2, BP4

Women's Health and Genetics/Laboratory Corporation of America, LabCorp
Classification: Uncertain significance. Last evaluated: 2026-02-03. Review status: criteria provided, single submitter. Criteria: LabCorp Variant Classification Summary - May 2015. Collection method: clinical testing. Allele origin: germline.
Comment: Variant summary: TNXB c.6928A>G (p.Thr2310Ala) results in a non-conservative amino acid change in the encoded protein sequence. Algorithms developed to predict the effect of missense changes on protein structure and function are either unavailable or do not agree on the potential impact of this missense change. The variant allele was found at a frequency of 1.6e-05 in 246968 control chromosomes (gnomAD). The available data on variant occurrences in the general population are insufficient to allow any conclusion about variant significance. To our knowledge, no occurrence of c.6928A>G in individuals affected with TNXB-related conditions and no experimental evidence demonstrating its impact on protein function have been reported. ClinVar contains an entry for this variant (Variation ID: 2565718). Based on the evidence outlined above, the variant was classified as uncertain significance.

Ambry Genetics
Classification: Uncertain significance for Cardiovascular phenotype. Last evaluated: 2023-03-26. Review status: criteria provided, single submitter. Criteria: Ambry Variant Classification Scheme 2023. Collection method: clinical testing. Allele origin: germline.
Comment: The p.T2310A variant (also known as c.6928A>G), located in coding exon 19 of the TNXB gene, results from an A to G substitution at nucleotide position 6928. The threonine at codon 2310 is replaced by alanine, an amino acid with similar properties. This amino acid position is conserved. In addition, this alteration is predicted to be tolerated by in silico analysis. Since supporting evidence is limited at this time, the clinical significance of this alteration remains unclear.

NM_001365276.2(TNXB):c.6928A>G (p.Thr2310Ala)

Gene: TNXB (tenascin XB; minus strand). Cytogenetic location: 6p21.33.
Variant type: single nucleotide variant.
Coding change: c.6928A>G on transcript NM_001365276.2 (MANE Select); coding-DNA position 6928, A replaced by G.
Protein change: p.Thr2310Ala; replaces threonine 2310 with alanine.
Molecular consequence: missense variant.
Genome position (GRCh38, 1-based): chr6:32,062,397, T>C on the plus strand (A>G on the coding strand, the complement: TNXB is on the minus strand). VCF-style: chr6-32062397-T-C. GRCh37 (hg19) VCF-style: chr6-32030174-T-C.
Other names: c.6928A>G, p.Thr2310Ala (NM_019105.8); short protein forms T2310A.
Identifiers: ClinVar variation 2565718 (VCV002565718.5), dbSNP rs200416807, ClinGen allele CA3734298.
Genomic context (GRCh38, chr6:32,062,397, plus strand): 5'-ACTGTCCCTCGGGAACCGTCCAGGACAGGCTGAGGGAGTCAGGGGTCGCATCTGTCACGG[T>C]CAGCTCCTCCAGGCGAGGCTTGATGGGGGGTTCAGGGGTGGGAGGTTCTGTCGAGGCTGG-3'
Protein context (NP_001352205.1, residues 2300-2320): PPIKPRLEEL[Thr2310Ala]VTDATPDSLS